The following is an entry in ClinVar:

ClinVar aggregate classification (germline): Uncertain significance. Review status: criteria provided, multiple submitters, no conflicts (2 of 4 stars). 2 submissions from 2 submitters: Uncertain significance (2). Last evaluated 2023-05-23.

Conditions:
Inborn genetic diseases. Identifiers: MedGen C0950123, MeSH D030342.

Allele frequency attached by ClinVar (database versions not stated): gnomAD 0.00001; ExAC 0.00002; TOPMed 0.00002; gnomAD exomes 0.00006; ESP Exome Variant Server 0.00008.
gnomAD v4.1: 81 of 1,614,080 alleles (0.005%); highest among the groups gnomAD compares: Non-Finnish European, 0.0066%; no homozygotes.

Submissions (2):

Ambry Genetics
Classification: Uncertain significance for Inborn genetic diseases. Last evaluated: 2023-05-23. Review status: criteria provided, single submitter. Criteria: Ambry Variant Classification Scheme 2023. Collection method: clinical testing. Allele origin: germline.

Labcorp Genetics (formerly Invitae), Labcorp
Classification: Uncertain significance. Last evaluated: 2022-07-16. Review status: criteria provided, single submitter. Criteria: Invitae Variant Classification Sherloc (09022015). Collection method: clinical testing. Allele origin: germline.
Comment: This sequence change replaces lysine, which is basic and polar, with glutamic acid, which is acidic and polar, at codon 456 of the CSGALNACT1 protein (p.Lys456Glu). This variant is present in population databases (rs369585957, gnomAD 0.004%). This variant has not been reported in the literature in individuals affected with CSGALNACT1-related conditions. Algorithms developed to predict the effect of missense changes on protein structure and function (SIFT, PolyPhen-2, Align-GVGD) all suggest that this variant is likely to be disruptive. In summary, the available evidence is currently insufficient to determine the role of this variant in disease. Therefore, it has been classified as a Variant of Uncertain Significance.

NM_001354483.2(CSGALNACT1):c.1366A>G (p.Lys456Glu)

Gene: CSGALNACT1 (chondroitin sulfate N-acetylgalactosaminyltransferase 1; minus strand). Cytogenetic location: 8p21.3.
Variant type: single nucleotide variant.
Coding change: c.1366A>G on transcript NM_001354483.2 (MANE Select); coding-DNA position 1366, A replaced by G.
Protein change: p.Lys456Glu; replaces lysine 456 with glutamic acid.
Molecular consequence: missense variant. On other transcripts: non-coding transcript variant (7).
Genome position (GRCh38, 1-based): chr8:19,406,013, T>C on the plus strand (A>G on the coding strand, the complement: CSGALNACT1 is on the minus strand). VCF-style: chr8-19406013-T-C. GRCh37 (hg19) VCF-style: chr8-19263524-T-C.
Other names: c.1366A>G, p.Lys456Glu (NM_001130518.2, NM_001354475.2, NM_001354476.2 and 18 more transcripts); c.1366A>G (NM_001130518.1); short protein forms K456E.
Identifiers: ClinVar variation 2164097 (VCV002164097.3), dbSNP rs369585957, ClinGen allele CA4653783.